The following is an entry in ClinVar:

NM_153700.2(STRC):c.4648G>T (p.Asp1550Tyr)

Gene: STRC (stereocilin; minus strand). Cytogenetic location: 15q15.3.
Variant type: single nucleotide variant.
Coding change: c.4648G>T on transcript NM_153700.2 (MANE Select); coding-DNA position 4648, G replaced by T.
Protein change: p.Asp1550Tyr; replaces aspartic acid 1550 with tyrosine.
Molecular consequence: missense variant.
Genome position (GRCh38, 1-based): chr15:43,601,449, C>A on the plus strand (G>T on the coding strand, the complement: STRC is on the minus strand). VCF-style: chr15-43601449-C-A. GRCh37 (hg19) VCF-style: chr15-43893647-C-A.
Other names: short protein forms D1550Y.
Identifiers: ClinVar variation 4982174 (VCV004982174.1).
Genomic context (GRCh38, chr15:43,601,449, plus strand): 5'-GTGTTACCTGAGTGGTGCTCCAGCCATCTATCTGCCCCAGGGTGCTCAGCACTCCCCAGT[C>A]CACTAGGATCAGCTCCTGTAGTTCCCGATCTCCTAGACCTATTAAGAGCCTACCAAGCTG-3'
Protein context (NP_714544.1, residues 1540-1560): DRELQELILV[Asp1550Tyr]WGVLSTLGQI

ClinVar aggregate classification (germline): Uncertain significance (1 of 4 stars; one submission).

Conditions:
STRC-related disorder. Also called: STRC-related condition.

gnomAD v4.1: 9 of 1,613,772 alleles (0.00056%); highest among the groups gnomAD compares: Non-Finnish European, 0.00034%; no homozygotes.

Submission:

PreventionGenetics, part of Exact Sciences
Classification: Uncertain significance for STRC-related condition. Last evaluated: 2025-06-02. Review status: criteria provided, single submitter. Criteria: ACMG Guidelines, 2015. Collection method: clinical testing. Allele origin: germline.
Comment: The STRC c.4648G>T variant is predicted to result in the amino acid substitution p.Asp1550Tyr. To our knowledge, this variant has not been reported in the literature or in a large population database (gnomAD), indicating this variant is rare. At this time, the clinical significance of this variant is uncertain due to the absence of conclusive functional and genetic evidence.